The following is an entry in ClinVar:

NM_002661.5(PLCG2):c.490C>T (p.Arg164Ter)

Gene: PLCG2 (phospholipase C gamma 2; plus strand). Cytogenetic location: 16q23.3.
Variant type: single nucleotide variant.
Coding change: c.490C>T on transcript NM_002661.5 (MANE Select); coding-DNA position 490, C replaced by T.
Protein change: p.Arg164Ter; replaces arginine 164 with a stop codon.
Molecular consequence: nonsense.
Genome position (GRCh38, 1-based): chr16:81,869,224, C>T. VCF-style: chr16-81869224-C-T. GRCh37 (hg19) VCF-style: chr16-81902829-C-T.
Other names: short protein forms R164*.
Identifiers: ClinVar variation 1937780 (VCV001937780.5), dbSNP rs1907393989, ClinGen allele CA396902896.
Genomic context (GRCh38, chr16:81,869,224, plus strand): 5'-TGCTGTTGAAAACCCTCAAGGTGACAGAACTGGGTCTCCCTCTTTTGCAGCATCAGTCTC[C>T]GAGAGTTGAAGACCATCTTGCCCCTGATCAACTTTAAAGTGAGCAGTGCCAAGTTCCTTA-3'

ClinVar aggregate classification (germline): Uncertain significance (1 of 4 stars; one submission).

Conditions:
Familial cold autoinflammatory syndrome 3 (FCAS3). Also called: FAMILIAL ATYPICAL COLD URTICARIA; ANTIBODY DEFICIENCY AND IMMUNE DYSREGULATION, PLCG2-ASSOCIATED. Identifiers: Orphanet 300359, MedGen C3280914, MONDO:0013766, OMIM 614468.

Allele frequency attached by ClinVar (database versions not stated): gnomAD exomes below 0.00001; TOPMed below 0.00001.
gnomAD v4.1: 1 of 1,613,700 alleles (0.000062%); highest among the groups gnomAD compares: Non-Finnish European, 0.000085%; no homozygotes.

Submission:

Labcorp Genetics (formerly Invitae), Labcorp
Classification: Uncertain significance for Familial cold autoinflammatory syndrome 3. Last evaluated: 2023-12-12. Review status: criteria provided, single submitter. Criteria: Invitae Variant Classification Sherloc (09022015). Collection method: clinical testing. Allele origin: germline.
Comment: This sequence change creates a premature translational stop signal (p.Arg164*) in the PLCG2 gene. It is expected to result in an absent or disrupted protein product. However, the current clinical and genetic evidence is not sufficient to establish whether loss-of-function variants in PLCG2 cause disease. This variant is not present in population databases (gnomAD no frequency). This variant has not been reported in the literature in individuals affected with PLCG2-related conditions. ClinVar contains an entry for this variant (Variation ID: 1937780). In summary, the available evidence is currently insufficient to determine the role of this variant in disease. Therefore, it has been classified as a Variant of Uncertain Significance.